The following is an entry in ClinVar:

ClinVar aggregate classification (germline): Likely benign (0 of 4 stars; one submission).

Conditions:
LEPR-related disorder. Also called: LEPR-related condition; LEPR-related disorders.

Submission:

PreventionGenetics, part of Exact Sciences
Classification: Likely benign for LEPR-related condition. Last evaluated: 2022-04-24. Review status: no assertion criteria provided. Collection method: clinical testing. Allele origin: germline.
Comment: This variant is classified as likely benign based on ACMG/AMP sequence variant interpretation guidelines (Richards et al. 2015 PMID: 25741868, with internal and published modifications).

NM_002303.6(LEPR):c.2674-5951C>T

Gene: LEPR (leptin receptor; plus strand). Cytogenetic location: 1p31.3.
Variant type: single nucleotide variant.
Coding change: c.2674-5951C>T on transcript NM_002303.6 (MANE Select); 5951 bases into the intron before coding-DNA position 2674, C replaced by T.
Molecular consequence: intron variant. On other transcripts: synonymous variant (2).
Genome position (GRCh38, 1-based): chr1:65,630,240, C>T. VCF-style: chr1-65630240-C-T. GRCh37 (hg19) VCF-style: chr1-66095923-C-T.
Other names: c.2712C>T, p.His904= (NM_001003680.3, NM_001198687.2); c.2674-2912C>T (NM_001003679.3, NM_001198689.2).
Identifiers: ClinVar variation 3353357 (VCV003353357.1).